The following is an entry in ClinVar:

ClinVar aggregate classification (germline): Uncertain significance (1 of 4 stars; one submission).

gnomAD v4.1: 2 of 1,613,168 alleles (0.00012%); highest among the groups gnomAD compares: Non-Finnish European, 0.00017%; no homozygotes.

Submission:

CeGaT Center for Human Genetics Tuebingen
Classification: Uncertain significance. Last evaluated: 2022-10-01. Review status: criteria provided, single submitter. Criteria: CeGaT Center For Human Genetics Tuebingen Variant Classification Criteria Version 2. Collection method: clinical testing. Allele origin: germline. Affected: yes. Observed: 1 variant allele.
Comment: FGFR1: PM2:Supporting, BP4

NM_023110.3(FGFR1):c.81G>A (p.Leu27=)

Gene: FGFR1 (fibroblast growth factor receptor 1; minus strand). Cytogenetic location: 8p11.23.
Variant type: single nucleotide variant.
Coding change: c.81G>A on transcript NM_023110.3 (MANE Select); coding-DNA position 81, G replaced by A.
Protein change: p.Leu27=; no amino-acid change (leucine 27 retained).
Molecular consequence: synonymous variant. On other transcripts: 5 prime UTR variant (1).
Genome position (GRCh38, 1-based): chr8:38,457,366, C>T on the plus strand (G>A on the coding strand, the complement: FGFR1 is on the minus strand). VCF-style: chr8-38457366-C-T. GRCh37 (hg19) VCF-style: chr8-38314884-C-T.
Other names: c.81G>A, p.Leu27= (NM_001410922.1, NM_015850.4, NM_023105.3 and 9 more transcripts); c.-12G>A (NM_001174064.2); c.180G>A, p.Leu60= (NM_001174067.2).
Identifiers: ClinVar variation 2658553 (VCV002658553.24), dbSNP rs1230569367, ClinGen allele CA460464007.